The following is an entry in ClinVar:

ClinVar aggregate classification (germline): Uncertain significance (1 of 4 stars; one submission).

Conditions:
Emery-Dreifuss muscular dystrophy 4, autosomal dominant (EDMD4). Also called: EMERY-DREIFUSS MUSCULAR DYSTROPHY 4 WITH VARIABLE FEATURES. Identifiers: Orphanet 261, MedGen C2751807, MONDO:0013071, OMIM 612998.
Autosomal recessive ataxia, Beauce type. Also called: SYNE1-Related Autosomal Recessive Cerebellar Ataxia; Spinocerebellar ataxia, autosomal recessive 8; ATAXIA, RECESSIVE, OF BEAUCE; SYNE1 Deficiency. Identifiers: Orphanet 88644, MedGen C1853116, MONDO:0012549, OMIM 610743.

Allele frequency attached by ClinVar (database versions not stated): gnomAD exomes below 0.00001 and 0.00001.
gnomAD v4.1: 3 of 1,614,110 alleles (0.00019%); highest among the groups gnomAD compares: Admixed American, 0.0017%; no homozygotes.

Submission:

Labcorp Genetics (formerly Invitae), Labcorp
Classification: Uncertain significance for Emery-Dreifuss muscular dystrophy 4, autosomal dominant; Autosomal recessive ataxia, Beauce type. Last evaluated: 2021-07-17. Review status: criteria provided, single submitter. Criteria: Invitae Variant Classification Sherloc (09022015). Collection method: clinical testing. Allele origin: germline.
Comment: This variant has not been reported in the literature in individuals affected with SYNE1-related conditions. This variant is not present in population databases (ExAC no frequency). This sequence change replaces leucine with phenylalanine at codon 6701 of the SYNE1 protein (p.Leu6701Phe). The leucine residue is highly conserved and there is a small physicochemical difference between leucine and phenylalanine. Algorithms developed to predict the effect of missense changes on protein structure and function are either unavailable or do not agree on the potential impact of this missense change (SIFT: "Deleterious"; PolyPhen-2: "Probably Damaging"; Align-GVGD: "Class C15"). In summary, the available evidence is currently insufficient to determine the role of this variant in disease. Therefore, it has been classified as a Variant of Uncertain Significance.

NM_182961.4(SYNE1):c.20314C>T (p.Leu6772Phe)

Gene: SYNE1 (spectrin repeat containing nuclear envelope protein 1; minus strand). Cytogenetic location: 6q25.2.
Variant type: single nucleotide variant.
Coding change: c.20314C>T on transcript NM_182961.4 (MANE Select); coding-DNA position 20314, C replaced by T.
Protein change: p.Leu6772Phe; replaces leucine 6772 with phenylalanine.
Molecular consequence: missense variant.
Genome position (GRCh38, 1-based): chr6:152,236,189, G>A on the plus strand (C>T on the coding strand, the complement: SYNE1 is on the minus strand). VCF-style: chr6-152236189-G-A. GRCh37 (hg19) VCF-style: chr6-152557324-G-A.
Other names: c.20101C>T, p.Leu6701Phe (NM_033071.5); short protein forms L6701F, L6772F.
Identifiers: ClinVar variation 1377692 (VCV001377692.8), dbSNP rs1309947836, ClinGen allele CA366122056.